The following is an entry in ClinVar:

NM_138694.4(PKHD1):c.4224del (p.Thr1408_Val1409insTer)

Gene: PKHD1 (PKHD1 ciliary IPT domain containing fibrocystin/polyductin; minus strand). Cytogenetic location: 6p12.2.
Variant type: Deletion.
Coding change: c.4224del on transcript NM_138694.4 (MANE Select); coding-DNA position 4224, one base deleted (T; older notation c.4224delT).
Protein change: p.Thr1408_Val1409insTer.
Molecular consequence: frameshift variant.
Genome position (GRCh38, 1-based): chr6:52,025,586, A deleted on the plus strand (T on the coding strand, the reverse complement: PKHD1 is on the minus strand). VCF-style (leftmost placement, unchanged base first): chr6-52025585-CA-C. GRCh37 (hg19) VCF-style: chr6-51890383-CA-C.
Other names: c.4224del, p.Thr1408_Val1409insTer (NM_170724.3).
Identifiers: ClinVar variation 1458898 (VCV001458898.6), dbSNP rs2128144542, ClinGen allele CA2573140976.

ClinVar aggregate classification (germline): Pathogenic (1 of 4 stars; one submission).

Conditions:
Autosomal recessive polycystic kidney disease (ARPKD). Also called: AR polycystic kidney disease. Identifiers: Orphanet 731, Orphanet 8378, MedGen C0085548, MeSH D017044, MONDO:0009889.

Submission:

Labcorp Genetics (formerly Invitae), Labcorp
Classification: Pathogenic for Autosomal recessive polycystic kidney disease. Last evaluated: 2023-04-09. Review status: criteria provided, single submitter. Criteria: Invitae Variant Classification Sherloc (09022015). Collection method: clinical testing. Allele origin: germline.
Comment: For these reasons, this variant has been classified as Pathogenic. ClinVar contains an entry for this variant (Variation ID: 1458898). This variant has not been reported in the literature in individuals affected with PKHD1-related conditions. This variant is not present in population databases (gnomAD no frequency). This sequence change creates a premature translational stop signal (p.Val1409*) in the PKHD1 gene. It is expected to result in an absent or disrupted protein product. Loss-of-function variants in PKHD1 are known to be pathogenic (PMID: 19940839).

Literature cited by the submitters: PubMed 19940839.